The following is an entry in ClinVar:

NM_025114.4(CEP290):c.6919G>A (p.Glu2307Lys)

Gene: CEP290 (centrosomal protein 290; minus strand). Cytogenetic location: 12q21.32.
Variant type: single nucleotide variant.
Coding change: c.6919G>A on transcript NM_025114.4 (MANE Select); coding-DNA position 6919, G replaced by A.
Protein change: p.Glu2307Lys; replaces glutamic acid 2307 with lysine.
Molecular consequence: missense variant.
Genome position (GRCh38, 1-based): chr12:88,055,617, C>T on the plus strand (G>A on the coding strand, the complement: CEP290 is on the minus strand). VCF-style: chr12-88055617-C-T. GRCh37 (hg19) VCF-style: chr12-88449394-C-T.
Other names: c.6919G>A (NM_025114.3); short protein forms E2307K.
Identifiers: ClinVar variation 1984907 (VCV001984907.3), dbSNP rs569543965, ClinGen allele CA6711406.
Genomic context (GRCh38, chr12:88,055,617, plus strand): 5'-GAAAAATTACGTTACTTACCTGTTGTTCAAGGTCTTCATTGTATTTGTTAACTTTTTGTT[C>T]TCTCTCTGTTGCTTCTTTTACAAGCTGTTTAAGGTCAGTAATGCTTTGATTTTTTTTGGC-3'
Protein context (NP_079390.3, residues 2297-2317): KQLVKEATER[Glu2307Lys]QKVNKYNEDL

ClinVar aggregate classification (germline): Uncertain significance. Review status: criteria provided, multiple submitters, no conflicts (2 of 4 stars). 3 submissions from 3 submitters: Uncertain significance (3). Last evaluated 2026-08-18.

Conditions:
CEP290-related disorder. Also called: CEP290-related condition; CEP290-related disorders. Identifiers: MedGen CN239314.
Meckel-Gruber syndrome. Also called: DYSENCEPHALIA SPLANCHNOCYSTICA; GRUBER SYNDROME; Dysencephalia splachnocystica. Identifiers: Orphanet 564, MedGen C0265215, MONDO:0018921.
Nephronophthisis. Also called: Juvenile Nephronophthisis. Identifiers: Orphanet 655, MedGen C0687120, MONDO:0019005, HP:0000090.
Joubert syndrome. Also called: Familial aplasia of the vermis; JOUBERT-BOLTSHAUSER SYNDROME. Identifiers: Orphanet 475, MedGen C5979921, MONDO:0018772.
Inborn genetic diseases. Identifiers: MedGen C0950123, MeSH D030342.

Allele frequency attached by ClinVar (database versions not stated): gnomAD 0.00002; TOPMed 0.00002; 1000 Genomes Project 30x 0.00031; gnomAD exomes below 0.00001; 1000 Genomes Project 0.00040.
gnomAD v4.1: 6 of 1,576,966 alleles (0.00038%); highest among the groups gnomAD compares: African/African-American, 0.0081%; no homozygotes.

Submissions (3):

PreventionGenetics, part of Exact Sciences
Classification: Uncertain significance for CEP290-related condition. Last evaluated: 2026-08-18. Review status: criteria provided, single submitter. Criteria: ACMG Guidelines, 2015. Collection method: clinical testing. Allele origin: germline.
Comment: The CEP290 c.6919G>A variant is predicted to result in the amino acid substitution p.Glu2307Lys. To our knowledge, this variant has not been reported in the literature. This variant is reported in 0.011% of alleles in individuals of African descent in gnomAD. At this time, the clinical significance of this variant is uncertain due to the absence of conclusive functional and genetic evidence.

Ambry Genetics
Classification: Uncertain significance for Inborn genetic diseases. Last evaluated: 2025-12-16. Review status: criteria provided, single submitter. Criteria: Ambry Variant Classification Scheme 2023. Collection method: clinical testing. Allele origin: germline.

Labcorp Genetics (formerly Invitae), Labcorp
Classification: Uncertain significance for Joubert syndrome; Meckel-Gruber syndrome; Nephronophthisis. Last evaluated: 2022-02-14. Review status: criteria provided, single submitter. Criteria: Invitae Variant Classification Sherloc (09022015). Collection method: clinical testing. Allele origin: germline.
Comment: This sequence change replaces glutamic acid, which is acidic and polar, with lysine, which is basic and polar, at codon 2307 of the CEP290 protein (p.Glu2307Lys). This variant is present in population databases (rs569543965, gnomAD 0.01%). This variant has not been reported in the literature in individuals affected with CEP290-related conditions. Algorithms developed to predict the effect of missense changes on protein structure and function are either unavailable or do not agree on the potential impact of this missense change (SIFT: "Deleterious"; PolyPhen-2: "Probably Damaging"; Align-GVGD: "Class C0"). In summary, the available evidence is currently insufficient to determine the role of this variant in disease. Therefore, it has been classified as a Variant of Uncertain Significance.